The following is an entry in ClinVar:

NM_000264.5(PTCH1):c.1044G>T (p.Lys348Asn)

Gene: PTCH1 (patched 1; minus strand). Cytogenetic location: 9q22.32.
Variant type: single nucleotide variant.
Coding change: c.1044G>T on transcript NM_000264.5 (MANE Select); coding-DNA position 1044, G replaced by T.
Protein change: p.Lys348Asn; replaces lysine 348 with asparagine.
Molecular consequence: missense variant. On other transcripts: non-coding transcript variant (1).
Genome position (GRCh38, 1-based): chr9:95,479,992, C>A on the plus strand (G>T on the coding strand, the complement: PTCH1 is on the minus strand). VCF-style: chr9-95479992-C-A. GRCh37 (hg19) VCF-style: chr9-98242274-C-A.
Other names: c.846G>T, p.Lys282Asn (NM_001083602.3); c.591G>T, p.Lys197Asn (NM_001083607.3, NM_001083604.3, NM_001083605.3 and 1 more transcripts); c.1041G>T, p.Lys347Asn (NM_001083603.3); c.1044G>T, p.Lys348Asn (NM_001354918.2); short protein forms K197N, K282N, K348N, K347N.
Identifiers: ClinVar variation 2626242 (VCV002626242.2), dbSNP rs2118388882, ClinGen allele CA374119606.

ClinVar aggregate classification (germline): Uncertain significance (1 of 4 stars; one submission).

Conditions:
Hereditary cancer-predisposing syndrome. Also called: Tumor predisposition; Hereditary Cancer Syndrome; Hereditary neoplastic syndrome; Neoplastic Syndromes, Hereditary. Identifiers: Orphanet 140162, MedGen C0027672, MeSH D009386, MONDO:0015356.

Allele frequency attached by ClinVar (database versions not stated): gnomAD exomes below 0.00001.
gnomAD v4.1: 1 of 1,614,094 alleles (0.000062%); highest among the groups gnomAD compares: Non-Finnish European, 0.000085%; no homozygotes.

Submission:

Ambry Genetics
Classification: Uncertain significance for Hereditary cancer-predisposing syndrome. Last evaluated: 2023-08-25. Review status: criteria provided, single submitter. Criteria: Ambry Variant Classification Scheme 2023. Collection method: clinical testing. Allele origin: germline.
Comment: The p.K348N variant (also known as c.1044G>T), located in coding exon 7 of the PTCH1 gene, results from a G to T substitution at nucleotide position 1044. The lysine at codon 348 is replaced by asparagine, an amino acid with similar properties. This amino acid position is conserved. In addition, the in silico prediction for this alteration is inconclusive. Since supporting evidence is limited at this time, the clinical significance of this alteration remains unclear.